The following is an entry in ClinVar:

ClinVar aggregate classification (germline): Uncertain significance (1 of 4 stars; one submission).

gnomAD v4.1: 13 of 1,613,872 alleles (0.00081%); highest among the groups gnomAD compares: Non-Finnish European, 0.0011%; no homozygotes.

Submission:

Labcorp Genetics (formerly Invitae), Labcorp
Classification: Uncertain significance. Last evaluated: 2025-12-14. Review status: criteria provided, single submitter. Criteria: Invitae Variant Classification Sherloc (09022015). Collection method: clinical testing. Allele origin: germline.
Comment: This sequence change replaces cysteine, which is neutral and slightly polar, with arginine, which is basic and polar, at codon 59 of the IL23R protein (p.Cys59Arg). This variant is present in population databases (rs748673781, gnomAD 0.0009%). This variant has not been reported in the literature in individuals affected with IL23R-related conditions. An algorithm developed to predict the effect of missense changes on protein structure and function (PolyPhen-2) suggests that this variant is likely to be disruptive. In summary, the available evidence is currently insufficient to determine the role of this variant in disease. Therefore, it has been classified as a Variant of Uncertain Significance.

NM_144701.3(IL23R):c.175T>C (p.Cys59Arg)

Gene: IL23R (interleukin 23 receptor; plus strand). Cytogenetic location: 1p31.3.
Variant type: single nucleotide variant.
Coding change: c.175T>C on transcript NM_144701.3 (MANE Select); coding-DNA position 175, T replaced by C.
Protein change: p.Cys59Arg; replaces cysteine 59 with arginine.
Molecular consequence: missense variant.
Genome position (GRCh38, 1-based): chr1:67,169,446, T>C. VCF-style: chr1-67169446-T-C. GRCh37 (hg19) VCF-style: chr1-67635129-T-C.
Other names: short protein forms C59R.
Identifiers: ClinVar variation 4762403 (VCV004762403.1).